The following is an entry in ClinVar:

ClinVar aggregate classification (germline): Conflicting classifications of pathogenicity. Review status: criteria provided, conflicting classifications (1 of 4 stars). 4 submissions from 4 submitters: Uncertain significance (3); Likely benign (1). Last evaluated 2025-07-03.

Conditions:
Hereditary breast ovarian cancer syndrome. Also called: BRCA1- and BRCA2-Associated Hereditary Breast and Ovarian Cancer; Hereditary breast and ovarian cancer; Hereditary breast and/or ovarian cancer syndrome; Hereditary breast and ovarian cancer syndrome; Hereditary breast and ovarian cancer syndrome (HBOC); Breast and ovarian cancer. Identifiers: Orphanet 145, MedGen C0677776, MeSH D061325, MONDO:0003582. Disease mechanism: loss of function.
Hereditary cancer-predisposing syndrome. Also called: Neoplastic Syndromes, Hereditary; Hereditary Cancer Syndrome; Tumor predisposition; Hereditary neoplastic syndrome. Identifiers: Orphanet 140162, MedGen C0027672, MeSH D009386, MONDO:0015356.

Allele frequency attached by ClinVar (database versions not stated): gnomAD 0.00001; TOPMed 0.00002.
gnomAD v4.1: 1 of 1,614,042 alleles (0.000062%); highest among the groups gnomAD compares: African/African-American, 0.0013%; no homozygotes.

Submissions (4):

Ambry Genetics
Classification: Uncertain significance for Hereditary cancer-predisposing syndrome. Last evaluated: 2025-07-03. Review status: criteria provided, single submitter. Criteria: Ambry Variant Classification Scheme 2023. Collection method: clinical testing. Allele origin: germline.
Comment: The p.E1258K variant (also known as c.3772G>A), located in coding exon 9 of the BRCA1 gene, results from a G to A substitution at nucleotide position 3772. The glutamic acid at codon 1258 is replaced by lysine, an amino acid with similar properties. This alteration has been reported with a carrier frequency of 0.0000 in 53 unselected male breast cancer patients and 0.0001 in 12490 male controls of Japanese ancestry (Momozawa Y et al. Nat Commun, 2018 10;9:4083). This amino acid position is not well conserved in available vertebrate species. In addition, the in silico prediction for this alteration is inconclusive. Since supporting evidence is limited at this time, the clinical significance of this alteration remains unclear.

Women's Health and Genetics/Laboratory Corporation of America, LabCorp
Classification: Uncertain significance. Last evaluated: 2025-04-16. Review status: criteria provided, single submitter. Criteria: LabCorp Variant Classification Summary - May 2015. Collection method: clinical testing. Allele origin: germline.
Comment: Variant summary: BRCA1 c.3772G>A (p.Glu1258Lys) results in a conservative amino acid change in the encoded protein sequence. Three of four in-silico tools predict a benign effect of the variant on protein function. The variant was absent in 251226 control chromosomes. The available data on variant occurrences in the general population are insufficient to allow any conclusion about variant significance. One large case-control study evaluating breast cancer genetic risk reported this variant was not significantly enriched in the case cohort (Momozawa_2018: 1/7051 cases breast cancer vs. 1/12490 controls). These report(s) do not provide unequivocal conclusions about association of the variant with Hereditary Breast And Ovarian Cancer Syndrome. To our knowledge, no experimental evidence demonstrating an impact on protein function has been reported. The following publication has been ascertained in the context of this evaluation (PMID: 30287823). ClinVar contains an entry for this variant (Variation ID: 572647). Based on the evidence outlined above, the variant was classified as uncertain significance.

Labcorp Genetics (formerly Invitae), Labcorp
Classification: Uncertain significance for Hereditary breast ovarian cancer syndrome. Last evaluated: 2024-10-16. Review status: criteria provided, single submitter. Criteria: Invitae Variant Classification Sherloc (09022015). Collection method: clinical testing. Allele origin: germline.
Comment: This sequence change replaces glutamic acid, which is acidic and polar, with lysine, which is basic and polar, at codon 1258 of the BRCA1 protein (p.Glu1258Lys). This variant is present in population databases (no rsID available, gnomAD 0.01%). This variant has not been reported in the literature in individuals affected with BRCA1-related conditions. ClinVar contains an entry for this variant (Variation ID: 572647). Invitae Evidence Modeling of protein sequence and biophysical properties (such as structural, functional, and spatial information, amino acid conservation, physicochemical variation, residue mobility, and thermodynamic stability) indicates that this missense variant is expected to disrupt BRCA1 protein function with a positive predictive value of 80%. In summary, the available evidence is currently insufficient to determine the role of this variant in disease. Therefore, it has been classified as a Variant of Uncertain Significance.

University of Washington Department of Laboratory Medicine, University of Washington
Classification: Likely benign for Hereditary cancer-predisposing syndrome. Last evaluated: 2023-03-23. Review status: criteria provided, single submitter. Criteria: Dines et al. (Genet Med. 2020). Collection method: curation. Allele origin: germline.
Comment: Missense variant in a coldspot region where missense variants are very unlikely to be pathogenic (PMID:31911673).

BRCA1 coldspot (exon 11 using historical exon numbering). Reclassification based on statistical prior probability

Literature cited by the submitters: PubMed 30287823 (cited by Ambry Genetics and Women's Health and Genetics/Laboratory Corporation of America, LabCorp).

NM_007294.4(BRCA1):c.3772G>A (p.Glu1258Lys)

Genes: BRCA1 (BRCA1 DNA repair associated; minus strand), LOC126862571 (BRD4-independent group 4 enhancer GRCh37_chr17:41243136-41244335; plus strand). Cytogenetic location: 17q21.31.
Variant type: single nucleotide variant.
Coding change: c.3772G>A on transcript NM_007294.4 (MANE Select); coding-DNA position 3772, G replaced by A.
Protein change: p.Glu1258Lys; replaces glutamic acid 1258 with lysine.
Molecular consequence: missense variant. On other transcripts: intron variant (135).
Genome position (GRCh38, 1-based): chr17:43,091,759, C>T on the plus strand (G>A on the coding strand, the complement: BRCA1 is on the minus strand). VCF-style: chr17-43091759-C-T. GRCh37 (hg19) VCF-style: chr17-41243776-C-T.
Other names: c.3631G>A, p.Glu1211Lys (NM_001407734.1, NM_001407735.1, NM_001407736.1 and 29 more transcripts); c.788-727G>A (NM_001407982.1, NM_001407970.1, NM_001407980.1 and 17 more transcripts); c.3628G>A, p.Glu1210Lys (NM_001407745.1, NM_001407740.1, NM_001407741.1 and 20 more transcripts); c.3559G>A, p.Glu1187Lys (NM_001407571.1, NM_001407853.1, NM_001407894.1 and 9 more transcripts); c.3772G>A, p.Glu1258Lys (NM_001407581.1, NM_001407582.1, NM_001407583.1 and 30 more transcripts); c.3769G>A, p.Glu1257Lys (NM_001407587.1, NM_001407590.1, NM_001407591.1 and 22 more transcripts); c.3763G>A, p.Glu1255Lys (NM_001407646.1, NM_001407647.1); c.3649G>A, p.Glu1217Lys (NM_001407648.1, NM_001407664.1, NM_001407665.1 and 19 more transcripts); and 41 more; short protein forms E1258K, E1211K, E1090K, E1169K, E1217K, E1255K, E1257K, E1130K.
Identifiers: ClinVar variation 572647 (VCV000572647.18), dbSNP rs397509105, ClinGen allele CA10594427.
Genomic context (GRCh38, chr17:43,091,759, plus strand): 5'-TTGCCAATATTACCTGGTTACTGCAGTCATTTAAGCTATTCTTCAATGATAATAAATTCT[C>T]CTCTGTGTTCTTAGACAGACACTCGGTAGCAACGGTGCTATGCCTAGTAGACTGAGAAGG-3'
Protein context (NP_009225.1, residues 1248-1268): ATECLSKNTE[Glu1258Lys]NLLSLKNSLN